The following is an entry in ClinVar:

NM_182914.3(SYNE2):c.12410C>G (p.Pro4137Arg)

Gene: SYNE2 (spectrin repeat containing nuclear envelope protein 2; plus strand). Cytogenetic location: 14q23.2.
Variant type: single nucleotide variant.
Coding change: c.12410C>G on transcript NM_182914.3 (MANE Select); coding-DNA position 12410, C replaced by G.
Protein change: p.Pro4137Arg; replaces proline 4137 with arginine.
Molecular consequence: missense variant.
Genome position (GRCh38, 1-based): chr14:64,101,960, C>G. VCF-style: chr14-64101960-C-G. GRCh37 (hg19) VCF-style: chr14-64568678-C-G.
Other names: c.12410C>G, p.Pro4137Arg (NM_015180.6); short protein forms P4137R.
Identifiers: ClinVar variation 4778478 (VCV004778478.1).

ClinVar aggregate classification (germline): Uncertain significance (1 of 4 stars; one submission).

Conditions:
Emery-Dreifuss muscular dystrophy 5, autosomal dominant (EDMD5). Also called: EMERY-DREIFUSS MUSCULAR DYSTROPHY 5. Identifiers: Orphanet 261, MedGen C2751805, MONDO:0013072, OMIM 612999.

gnomAD v4.1: 1 of 1,613,920 alleles (0.000062%); highest among the groups gnomAD compares: South Asian, 0.0011%; no homozygotes.

Submission:

Labcorp Genetics (formerly Invitae), Labcorp
Classification: Uncertain significance for Emery-Dreifuss muscular dystrophy 5, autosomal dominant. Last evaluated: 2025-10-08. Review status: criteria provided, single submitter. Criteria: Invitae Variant Classification Sherloc (09022015). Collection method: clinical testing. Allele origin: germline.
Comment: This sequence change replaces proline, which is neutral and non-polar, with arginine, which is basic and polar, at codon 4137 of the SYNE2 protein (p.Pro4137Arg). This variant is not present in population databases (gnomAD no frequency). This variant has not been reported in the literature in individuals affected with SYNE2-related conditions. An algorithm developed to predict the effect of missense changes on protein structure and function (PolyPhen-2) suggests that this variant is likely to be tolerated. In summary, the available evidence is currently insufficient to determine the role of this variant in disease. Therefore, it has been classified as a Variant of Uncertain Significance.